The following is an entry in ClinVar:

ClinVar aggregate classification (germline): Uncertain significance. Review status: criteria provided, multiple submitters, no conflicts (2 of 4 stars). 4 submissions from 4 submitters: Uncertain significance (3). 1 of the submissions does not count toward it. Last evaluated 2026-01-13.

Conditions:
Hereditary cancer-predisposing syndrome. Also called: Hereditary Cancer Syndrome; Hereditary neoplastic syndrome; Neoplastic Syndromes, Hereditary; Tumor predisposition. Identifiers: Orphanet 140162, MedGen C0027672, MeSH D009386, MONDO:0015356.
Hereditary breast ovarian cancer syndrome. Also called: Hereditary breast and ovarian cancer syndrome; BRCA1- and BRCA2-Associated Hereditary Breast and Ovarian Cancer; Breast and ovarian cancer; Hereditary breast and ovarian cancer; Hereditary breast and ovarian cancer syndrome (HBOC); Hereditary breast and/or ovarian cancer syndrome. Identifiers: Orphanet 145, MedGen C0677776, MeSH D061325, MONDO:0003582. Disease mechanism: loss of function.
Bloom syndrome (BLM). Also called: Bloom-Torre-Machacek syndrome. Identifiers: Orphanet 125, MedGen C0005859, MONDO:0008876, OMIM 210900.

Allele frequency attached by ClinVar (database versions not stated): gnomAD 0.00001; gnomAD exomes 0.00006.
gnomAD v4.1: 35 of 1,606,862 alleles (0.0022%); highest among the groups gnomAD compares: East Asian, 0.076%; no homozygotes.

Submissions (4):

Labcorp Genetics (formerly Invitae), Labcorp
Classification: Uncertain significance for Bloom syndrome. Last evaluated: 2026-01-13. Review status: criteria provided, single submitter. Criteria: Invitae Variant Classification Sherloc (09022015). Collection method: clinical testing. Allele origin: germline.
Comment: This sequence change replaces asparagine, which is neutral and polar, with serine, which is neutral and polar, at codon 45 of the BLM protein (p.Asn45Ser). This variant is not present in population databases (gnomAD no frequency). This variant has not been reported in the literature in individuals affected with BLM-related conditions. ClinVar contains an entry for this variant (Variation ID: 454075). An algorithm developed to predict the effect of missense changes on protein structure and function outputs the following: PolyPhen-2: "Benign". The serine amino acid residue is found in multiple mammalian species, which suggests that this missense change does not adversely affect protein function. In summary, the available evidence is currently insufficient to determine the role of this variant in disease. Therefore, it has been classified as a Variant of Uncertain Significance.

Ambry Genetics
Classification: Uncertain significance for Hereditary cancer-predisposing syndrome. Last evaluated: 2023-11-24. Review status: criteria provided, single submitter. Criteria: Ambry Variant Classification Scheme 2023. Collection method: clinical testing. Allele origin: germline.
Comment: The p.N45S variant (also known as c.134A>G), located in coding exon 2 of the BLM gene, results from an A to G substitution at nucleotide position 134. The asparagine at codon 45 is replaced by serine, an amino acid with highly similar properties. This amino acid position is not well conserved in available vertebrate species. In addition, this alteration is predicted to be tolerated by in silico analysis. Since supporting evidence is limited at this time, the clinical significance of this alteration remains unclear.

Cancer Genomics Group, Japanese Foundation For Cancer Research
Classification: Uncertain significance for Hereditary breast and ovarian cancer syndrome. Last evaluated: 2019-05-01. Review status: criteria provided, single submitter. Criteria: ACMG Guidelines, 2015. Collection method: research. Allele origin: germline. Affected: yes.

Natera, Inc.
Classification: Uncertain significance for Bloom syndrome. Last evaluated: 2018-11-15. Review status: no assertion criteria provided. Collection method: clinical testing. Allele origin: germline. Not counted in ClinVar's aggregate classification.

NM_000057.4(BLM):c.134A>G (p.Asn45Ser)

Gene: BLM (BLM RecQ like helicase; plus strand). Cytogenetic location: 15q26.1.
Variant type: single nucleotide variant.
Coding change: c.134A>G on transcript NM_000057.4 (MANE Select); coding-DNA position 134, A replaced by G.
Protein change: p.Asn45Ser; replaces asparagine 45 with serine.
Molecular consequence: missense variant. On other transcripts: 5 prime UTR variant (1).
Genome position (GRCh38, 1-based): chr15:90,749,402, A>G. VCF-style: chr15-90749402-A-G. GRCh37 (hg19) VCF-style: chr15-91292632-A-G.
Other names: c.134A>G, p.Asn45Ser (NM_001287246.2, NM_001287247.2); c.-1158A>G (NM_001287248.2); short protein forms N45S.
Identifiers: ClinVar variation 454075 (VCV000454075.21), dbSNP rs1555418242, ClinGen allele CA393839418.
Genomic context (GRCh38, chr15:90,749,402, plus strand): 5'-ATCTAGTTTTTCCATTATTTTTCAGAGGTTTCACTTTTAAAAAGAAAACATCTTCAGATA[A>G]CAATGTATCTGTAACTAATGTGTCAGTAGCAAAAACACCTGTATTAAGAAATAAAGATGT-3'
Protein context (NP_000048.1, residues 35-55): FTFKKKTSSD[Asn45Ser]NVSVTNVSVA